The following is an entry in ClinVar:

NM_006063.3(KLHL41):c.1717GAT[3] (p.Asp574dup)

Gene: KLHL41 (kelch like family member 41; plus strand). Cytogenetic location: 2q31.1.
Variant type: Microsatellite.
Coding change: c.1717GAT[3] on transcript NM_006063.3 (MANE Select); three copies in a row of the 3-base unit GAT starting at c.1717; the reference has two copies in a row; one copy, 3 bases duplicated.
Protein change: p.Asp574dup; duplicates aspartic acid 574.
Molecular consequence: inframe insertion.
Genome position (GRCh38, 1-based): chr2:169,525,595-169,525,597, GAT duplicated; duplicating any 3 consecutive bases within chr2:169,525,592-169,525,597 gives the same sequence; the position shown is the placement nearest the transcript's 3' end. VCF-style (leftmost placement, unchanged base first): chr2-169525591-A-AGAT. GRCh37 (hg19) VCF-style: chr2-170382101-A-AGAT.
Identifiers: ClinVar variation 1430590 (VCV001430590.8), dbSNP rs765973620, ClinGen allele CA1956751.

ClinVar aggregate classification (germline): Uncertain significance (1 of 4 stars; one submission).

Conditions:
Nemaline myopathy 9 (NEM9). Identifiers: MedGen C3810384, MONDO:0014326, OMIM 615731.

Submission:

Labcorp Genetics (formerly Invitae), Labcorp
Classification: Uncertain significance for Nemaline myopathy 9. Last evaluated: 2022-06-27. Review status: criteria provided, single submitter. Criteria: Invitae Variant Classification Sherloc (09022015). Collection method: clinical testing. Allele origin: germline.
Comment: In summary, the available evidence is currently insufficient to determine the role of this variant in disease. Therefore, it has been classified as a Variant of Uncertain Significance. Experimental studies and prediction algorithms are not available or were not evaluated, and the functional significance of this variant is currently unknown. This variant has not been reported in the literature in individuals affected with KLHL41-related conditions. This variant is present in population databases (rs765973620, gnomAD 0.01%). This variant, c.1720_1722dup, results in the insertion of 1 amino acid(s) of the KLHL41 protein (p.Asp574dup), but otherwise preserves the integrity of the reading frame.